The following is an entry in ClinVar:

NM_148894.3(BOD1L1):c.3960G>A (p.Ala1320=)

Gene: BOD1L1 (biorientation of chromosomes in cell division 1 like 1; minus strand). Cytogenetic location: 4p15.33.
Variant type: single nucleotide variant.
Coding change: c.3960G>A on transcript NM_148894.3 (MANE Select); coding-DNA position 3960, G replaced by A.
Protein change: p.Ala1320=; no amino-acid change (alanine 1320 retained).
Molecular consequence: synonymous variant.
Genome position (GRCh38, 1-based): chr4:13,602,940, C>T on the plus strand (G>A on the coding strand, the complement: BOD1L1 is on the minus strand). VCF-style: chr4-13602940-C-T. GRCh37 (hg19) VCF-style: chr4-13604564-C-T.
Identifiers: ClinVar variation 2654679 (VCV002654679.24), dbSNP rs199697209, ClinGen allele CA2861732.

ClinVar aggregate classification (germline): Likely benign (1 of 4 stars; one submission).

Allele frequency attached by ClinVar (database versions not stated): ESP Exome Variant Server 0.00015; 1000 Genomes Project 30x 0.00219; TOPMed 0.00023; gnomAD 0.00042; ExAC 0.00147; 1000 Genomes Project 0.00180.
gnomAD v4.1: 989 of 1,613,926 alleles (0.061%); highest among the groups gnomAD compares: South Asian, 0.95%; 11 homozygotes.

Submission:

CeGaT Center for Human Genetics Tuebingen
Classification: Likely benign. Last evaluated: 2023-03-01. Review status: criteria provided, single submitter. Criteria: CeGaT Center For Human Genetics Tuebingen Variant Classification Criteria Version 2. Collection method: clinical testing. Allele origin: germline. Affected: yes. Observed: 1 variant allele.
Comment: BOD1L1: BP4, BP7, BS2